The following is an entry in ClinVar:

NM_001267550.2(TTN):c.53290G>A (p.Val17764Ile)

Genes: TTN (titin; minus strand), TTN-AS1 (TTN antisense RNA 1; plus strand), LOC126806425 (BRD4-independent group 4 enhancer GRCh37_chr2:179471933-179473132; plus strand). Cytogenetic location: 2q31.2.
Variant type: single nucleotide variant.
Coding change: c.53290G>A on transcript NM_001267550.2 (MANE Select); coding-DNA position 53290, G replaced by A.
Protein change: p.Val17764Ile; replaces valine 17764 with isoleucine.
Molecular consequence: missense variant.
Genome position (GRCh38, 1-based): chr2:178,607,312, C>T on the plus strand (G>A on the coding strand, the complement: TTN is on the minus strand). VCF-style: chr2-178607312-C-T. GRCh37 (hg19) VCF-style: chr2-179472039-C-T.
Other names: c.48367G>A, p.Val16123Ile (NM_001256850.1); c.26095G>A, p.Val8699Ile (NM_003319.4); c.45586G>A, p.Val15196Ile (NM_133378.4); c.26470G>A, p.Val8824Ile (NM_133432.3); c.26671G>A, p.Val8891Ile (NM_133437.4); short protein forms V17764I, V8699I, V15196I, V16123I, V8824I, V8891I.
Identifiers: ClinVar variation 264297 (VCV000264297.5), dbSNP rs886039115, ClinGen allele CA10587496.

ClinVar aggregate classification (germline): Uncertain significance (1 of 4 stars; one submission).

Conditions:
Cardiovascular phenotype. Identifiers: MedGen CN230736.

Submission:

Ambry Genetics
Classification: Uncertain significance for Cardiovascular phenotype. Last evaluated: 2015-10-23. Review status: criteria provided, single submitter. Criteria: Ambry Variant Classification Scheme 2023. Collection method: clinical testing. Allele origin: germline.
Comment: The p.V8699I variant (also known as c.26095G>A), located in coding exon 105 of the TTN gene, results from a G to A substitution at nucleotide position 26095. The valine at codon 8699 is replaced by isoleucine, an amino acid with highly similar properties. This variant was not reported in population based cohorts in the following databases: Database of Single Nucleotide Polymorphisms (dbSNP), NHLBI Exome Sequencing Project (ESP), and 1000 Genomes Project. In the ESP, this variant was not observed in 5940 samples (11880 alleles) with coverage at this position. This amino acid position is highly conserved in available vertebrate species. In addition, this alteration is predicted to be tolerated by in silico analysis. Since supporting evidence is limited at this time, the clinical significance of this variant remains unclear.